The following is an entry in ClinVar:

NM_001903.5(CTNNA1):c.2096A>T (p.Asp699Val)

Gene: CTNNA1 (catenin alpha 1; plus strand). Cytogenetic location: 5q31.2.
Variant type: single nucleotide variant.
Coding change: c.2096A>T on transcript NM_001903.5 (MANE Select); coding-DNA position 2096, A replaced by T.
Protein change: p.Asp699Val; replaces aspartic acid 699 with valine.
Molecular consequence: missense variant.
Genome position (GRCh38, 1-based): chr5:138,930,558, A>T. VCF-style: chr5-138930558-A-T. GRCh37 (hg19) VCF-style: chr5-138266247-A-T.
Other names: c.986A>T, p.Asp329Val (NM_001323991.1, NM_001323992.1, NM_001323993.1 and 17 more transcripts); c.2096A>T, p.Asp699Val (NM_001290307.3, NM_001323982.2, NM_001323983.1 and 2 more transcripts); c.1787A>T, p.Asp596Val (NM_001290309.3); c.1727A>T, p.Asp576Val (NM_001290310.3); c.2003A>T, p.Asp668Val (NM_001323986.2); c.647A>T, p.Asp216Val (NM_001324006.1, NM_001324007.1, NM_001324008.1 and 2 more transcripts); c.893A>T, p.Asp298Val (NM_001324011.1); c.743A>T, p.Asp248Val (NM_001324012.1, NM_001324013.1); short protein forms D298V, D668V, D699V, D248V, D576V, D216V, D329V, D596V.
Identifiers: ClinVar variation 1445713 (VCV001445713.8), dbSNP rs2150334494, ClinGen allele CA361133494.

ClinVar aggregate classification (germline): Uncertain significance (1 of 4 stars; one submission).

Submission:

Labcorp Genetics (formerly Invitae), Labcorp
Classification: Uncertain significance. Last evaluated: 2021-06-02. Review status: criteria provided, single submitter. Criteria: Invitae Variant Classification Sherloc (09022015). Collection method: clinical testing. Allele origin: germline.
Comment: This sequence change replaces aspartic acid with valine at codon 699 of the CTNNA1 protein (p.Asp699Val). The aspartic acid residue is highly conserved and there is a large physicochemical difference between aspartic acid and valine. This variant is not present in population databases (ExAC no frequency). This variant has not been reported in the literature in individuals with CTNNA1-related conditions. Algorithms developed to predict the effect of missense changes on protein structure and function are either unavailable or do not agree on the potential impact of this missense change (SIFT: "Deleterious"; PolyPhen-2: "Probably Damaging"; Align-GVGD: "Class C15"). In summary, the available evidence is currently insufficient to determine the role of this variant in disease. Therefore, it has been classified as a Variant of Uncertain Significance.